The following is an entry in ClinVar:

ClinVar aggregate classification (germline): Uncertain significance. Review status: criteria provided, multiple submitters, no conflicts (2 of 4 stars). 2 submissions from 2 submitters: Uncertain significance (2). Last evaluated 2025-10-10.

Conditions:
Hereditary cancer-predisposing syndrome. Also called: Tumor predisposition; Hereditary neoplastic syndrome; Neoplastic Syndromes, Hereditary; Hereditary Cancer Syndrome. Identifiers: Orphanet 140162, MedGen C0027672, MeSH D009386, MONDO:0015356.
Carney-Stratakis syndrome. Also called: PARAGANGLIOMA AND GASTROINTESTINAL STROMAL TUMOR. Identifiers: Orphanet 97286, MedGen C1847319, MONDO:0011740, OMIM 606864.
Paragangliomas with sensorineural hearing loss. Identifiers: MedGen C1868633.
Pheochromocytoma. Also called: MAX-Related Hereditary Paraganglioma-Pheochromocytoma Syndrome. Identifiers: Orphanet 29072, MedGen C0031511, MONDO:0008233, OMIM 171300, HP:0002666.
Cowden syndrome 3 (CWS3). Identifiers: Orphanet 201, MedGen CN166604, MONDO:0014045.

Submissions (2):

Ambry Genetics
Classification: Uncertain significance for Hereditary cancer-predisposing syndrome. Last evaluated: 2025-10-10. Review status: criteria provided, single submitter. Criteria: Ambry Variant Classification Scheme 2023. Collection method: clinical testing. Allele origin: germline.
Comment: The p.V46L variant (also known as c.136G>T), located in coding exon 2 of the SDHD gene, results from a G to T substitution at nucleotide position 136. The valine at codon 46 is replaced by leucine, an amino acid with highly similar properties. This amino acid position is conserved. In addition, the in silico prediction for this alteration is inconclusive. Based on the available evidence, the clinical significance of this variant remains unclear.

Labcorp Genetics (formerly Invitae), Labcorp
Classification: Uncertain significance for Carney-Stratakis syndrome; Paragangliomas with sensorineural hearing loss; Pheochromocytoma; Cowden syndrome 3. Last evaluated: 2022-01-27. Review status: criteria provided, single submitter. Criteria: Invitae Variant Classification Sherloc (09022015). Collection method: clinical testing. Allele origin: germline.
Comment: In summary, the available evidence is currently insufficient to determine the role of this variant in disease. Therefore, it has been classified as a Variant of Uncertain Significance. Advanced modeling of protein sequence and biophysical properties (such as structural, functional, and spatial information, amino acid conservation, physicochemical variation, residue mobility, and thermodynamic stability) performed at Invitae indicates that this missense variant is not expected to disrupt SDHD protein function. ClinVar contains an entry for this variant (Variation ID: 1009205). This variant has not been reported in the literature in individuals affected with SDHD-related conditions. This variant is not present in population databases (gnomAD no frequency). This sequence change replaces valine, which is neutral and non-polar, with leucine, which is neutral and non-polar, at codon 46 of the SDHD protein (p.Val46Leu).

NM_003002.4(SDHD):c.136G>T (p.Val46Leu)

Gene: SDHD (succinate dehydrogenase complex subunit D; plus strand). Cytogenetic location: 11q23.1.
Variant type: single nucleotide variant.
Coding change: c.136G>T on transcript NM_003002.4 (MANE Select); coding-DNA position 136, G replaced by T.
Protein change: p.Val46Leu; replaces valine 46 with leucine.
Molecular consequence: missense variant. On other transcripts: non-coding transcript variant (1), intron variant (1).
Genome position (GRCh38, 1-based): chr11:112,087,940, G>T. VCF-style: chr11-112087940-G-T. GRCh37 (hg19) VCF-style: chr11-111958664-G-T.
Other names: c.136G>T, p.Val46Leu (NM_001276503.2, NM_001276506.2); c.53-927G>T (NM_001276504.2); c.136G>T (NM_003002.2); short protein forms V46L.
Identifiers: ClinVar variation 1009205 (VCV001009205.11), dbSNP rs886047699, ClinGen allele CA382617063.